The following is an entry in ClinVar:

NM_001378120.1(MBD5):c.5085G>A (p.Met1695Ile)

Gene: MBD5 (methyl-CpG binding domain protein 5; plus strand). Cytogenetic location: 2q23.1.
Variant type: single nucleotide variant.
Coding change: c.5085G>A on transcript NM_001378120.1 (MANE Select); coding-DNA position 5085, G replaced by A.
Protein change: p.Met1695Ile; replaces methionine 1695 with isoleucine.
Molecular consequence: missense variant.
Genome position (GRCh38, 1-based): chr2:148,510,108, G>A. VCF-style: chr2-148510108-G-A. GRCh37 (hg19) VCF-style: chr2-149267677-G-A.
Other names: c.4386G>A, p.Met1462Ile (NM_018328.5); short protein forms M1462I, M1695I.
Identifiers: ClinVar variation 1032037 (VCV001032037.1), dbSNP rs1682172933, ClinGen allele CA348859252.

ClinVar aggregate classification (germline): Uncertain significance (1 of 4 stars; one submission).

Conditions:
Intellectual developmental disorder, autosomal dominant 1. Also called: Intellectual disability, autosomal dominant 1; MBD5 Haploinsufficiency. Identifiers: Orphanet 228402, MedGen C1969562, MONDO:0007974, OMIM 156200.

Submission:

Baylor Genetics
Classification: Uncertain significance for Intellectual developmental disorder, autosomal dominant 1. Last evaluated: 2018-01-08. Review status: criteria provided, single submitter. Criteria: ACMG Guidelines, 2015. Collection method: clinical testing. Allele origin: paternal. Affected: yes.
Comment: This variant was determined to be of uncertain significance according to ACMG Guidelines, 2015 [PMID:25741868].